The following is an entry in ClinVar:

ClinVar aggregate classification (germline): Uncertain significance (1 of 4 stars; one submission).

Conditions:
Inborn genetic diseases. Identifiers: MedGen C0950123, MeSH D030342.

Submission:

Ambry Genetics
Classification: Uncertain significance for Inborn genetic diseases. Last evaluated: 2024-07-25. Review status: criteria provided, single submitter. Criteria: Ambry Variant Classification Scheme 2023. Collection method: clinical testing. Allele origin: germline.
Comment: The p.I1734F variant (also known as c.5200A>T), located in coding exon 30 of the ATR gene, results from an A to T substitution at nucleotide position 5200. The isoleucine at codon 1734 is replaced by phenylalanine, an amino acid with highly similar properties. This amino acid position is conserved. In addition, this alteration is predicted to be tolerated by in silico analysis. Based on the available evidence, the clinical significance of this variant remains unclear.

NM_001184.4(ATR):c.5200A>T (p.Ile1734Phe)

Gene: ATR (ATR serine/threonine kinase; minus strand). Cytogenetic location: 3q23.
Variant type: single nucleotide variant.
Coding change: c.5200A>T on transcript NM_001184.4 (MANE Select); coding-DNA position 5200, A replaced by T.
Protein change: p.Ile1734Phe; replaces isoleucine 1734 with phenylalanine.
Molecular consequence: missense variant.
Genome position (GRCh38, 1-based): chr3:142,503,450, T>A on the plus strand (A>T on the coding strand, the complement: ATR is on the minus strand). VCF-style: chr3-142503450-T-A. GRCh37 (hg19) VCF-style: chr3-142222292-T-A.
Other names: c.5008A>T, p.Ile1670Phe (NM_001354579.2); short protein forms I1670F, I1734F.
Identifiers: ClinVar variation 3462440 (VCV003462440.1).